The following is an entry in ClinVar:

NM_000088.4(COL1A1):c.647C>T (p.Pro216Leu)

Gene: COL1A1 (collagen type I alpha 1 chain; minus strand). Cytogenetic location: 17q21.33.
Variant type: single nucleotide variant.
Coding change: c.647C>T on transcript NM_000088.4 (MANE Select); coding-DNA position 647, C replaced by T.
Protein change: p.Pro216Leu; replaces proline 216 with leucine.
Molecular consequence: missense variant.
Genome position (GRCh38, 1-based): chr17:50,197,781, G>A on the plus strand (C>T on the coding strand, the complement: COL1A1 is on the minus strand). VCF-style: chr17-50197781-G-A. GRCh37 (hg19) VCF-style: chr17-48275142-G-A.
Other names: short protein forms P216L.
Identifiers: ClinVar variation 4613919 (VCV004613919.1).

ClinVar aggregate classification (germline): Uncertain significance (1 of 4 stars; one submission).

Conditions:
Cardiovascular phenotype. Identifiers: MedGen CN230736.

gnomAD v4.1: 1 of 1,609,006 alleles (0.000062%); highest among the groups gnomAD compares: Non-Finnish European, 0.000085%; no homozygotes.

Submission:

Ambry Genetics
Classification: Uncertain significance for Cardiovascular phenotype. Last evaluated: 2025-10-30. Review status: criteria provided, single submitter. Criteria: Ambry Variant Classification Scheme 2023. Collection method: clinical testing. Allele origin: germline.
Comment: The p.P216L variant (also known as c.647C>T), located in coding exon 9 of the COL1A1 gene, results from a C to T substitution at nucleotide position 647. The proline at codon 216 is replaced by leucine, an amino acid with similar properties. This amino acid position is well conserved in available vertebrate species. In addition, the in silico prediction for this alteration is inconclusive. Based on the available evidence, the clinical significance of this variant remains unclear.